The following is an entry in ClinVar:

NM_000344.4(SMN1):c.462A>G (p.Gln154=)

Gene: SMN1 (survival of motor neuron 1, telomeric). Cytogenetic location: 5q13.2.
Variant type: single nucleotide variant.
Coding change: c.462A>G on transcript NM_000344.4 (MANE Select); coding-DNA position 462, A replaced by G.
Protein change: p.Gln154=; no amino-acid change (glutamine 154 retained).
Molecular consequence: synonymous variant.
Genome position (GRCh38, 1-based): chr5:70,942,546, A>G. VCF-style: chr5-70942546-A-G. GRCh37 (hg19) VCF-style: chr5-70238373-A-G.
Other names: c.462A>G, p.Gln154= (NM_022874.2, NM_001297715.1).
Identifiers: ClinVar variation 586626 (VCV000586626.12), dbSNP rs4915, ClinGen allele CA120725164.
Genomic context (GRCh38, chr5:70,942,546, plus strand): 5'-GGAGCAAAATCTGTCCGATCTACTTTCCCCAATCTGTGAAGTAGCTAATAATATAGAACA[A>G]AATGCTCAAGAGGTAAGGATACAAAAAAAAAAAAATTCAATTTCTGGAAGCAGAGACTAG-3'
Protein context (NP_000335.1, residues 144-164): PICEVANNIE[Gln154=]NAQENENESQ

ClinVar aggregate classification (germline): Benign/Likely benign. Review status: criteria provided, multiple submitters, no conflicts (2 of 4 stars). 3 submissions from 3 submitters: Benign (2); Likely benign (1). Last evaluated 2024-12-31.

Conditions:
Spinal muscular atrophy (SMA). Identifiers: MedGen C0026847, MeSH D009134, MONDO:0001516, HP:0007269.

Submissions (3):

Athena Diagnostics
Classification: Benign. Last evaluated: 2024-12-31. Review status: criteria provided, single submitter. Criteria: Athena Diagnostics Criteria. Collection method: clinical testing. Allele origin: unknown.
Comment: The frequency of this variant in the general population is higher than would generally be expected for pathogenic variants in this gene.

Labcorp Genetics (formerly Invitae), Labcorp
Classification: Likely benign for Spinal muscular atrophy. Last evaluated: 2017-03-24. Review status: criteria provided, single submitter. Criteria: Invitae Variant Classification Sherloc (09022015). Collection method: clinical testing. Allele origin: germline.

Pathology and Clinical Laboratory Medicine, King Fahad Medical City
Classification: Benign. Review status: criteria provided, single submitter. Criteria: ACMG Guidelines, 2015. Collection method: clinical testing. Allele origin: germline. Affected: no. Observed: 186 variant alleles.